The following is an entry in ClinVar:

ClinVar aggregate classification (germline): Pathogenic (1 of 4 stars; one submission).

Conditions:
Early-infantile DEE. Also called: Ohtahara syndrome; Early infantile epileptic encephalopathy with suppression bursts; Early infantile epileptic encephalopathy. Identifiers: Orphanet 1934, MedGen C0393706, MONDO:0800491.

Submission:

Labcorp Genetics (formerly Invitae), Labcorp
Classification: Pathogenic for Early-infantile DEE. Last evaluated: 2024-04-22. Review status: criteria provided, single submitter. Criteria: Invitae Variant Classification Sherloc (09022015). Collection method: clinical testing. Allele origin: germline.
Comment: This sequence change affects an acceptor splice site in intron 2 of the SCN1A gene. It is expected to disrupt RNA splicing. Variants that disrupt the donor or acceptor splice site typically lead to a loss of protein function (PMID: 16199547), and loss-of-function variants in SCN1A are known to be pathogenic (PMID: 17347258, 18930999). This variant is not present in population databases (gnomAD no frequency). Disruption of this splice site has been observed in individual(s) with Dravet syndrome (PMID: 26096185). In at least one individual the variant was observed to be de novo. ClinVar contains an entry for this variant (Variation ID: 842832). Experimental studies and prediction algorithms are not available or were not evaluated, and the effect of this variant on mRNA splicing is currently unknown. For these reasons, this variant has been classified as Pathogenic.

Literature cited by the submitters: PubMed 16199547; PubMed 17347258; PubMed 18930999; PubMed 26096185.

NM_001165963.4(SCN1A):c.384-1C>T

Gene: SCN1A (sodium voltage-gated channel alpha subunit 1; minus strand). Cytogenetic location: 2q24.3.
Variant type: single nucleotide variant.
Coding change: c.384-1C>T on transcript NM_001165963.4 (MANE Select); the canonical splice acceptor site of the intron before coding-DNA position 384, C replaced by T.
Molecular consequence: splice acceptor variant.
Genome position (GRCh38, 1-based): chr2:166,056,501, G>A on the plus strand (C>T on the coding strand, the complement: SCN1A is on the minus strand). VCF-style: chr2-166056501-G-A. GRCh37 (hg19) VCF-style: chr2-166913011-G-A.
Other names: c.384-1C>T (NM_001353949.2, NM_001353958.2, NM_001353950.2 and 10 more transcripts); c.-2042-1C>T (NM_001353961.2).
Identifiers: ClinVar variation 842832 (VCV000842832.9), dbSNP rs794726764, ClinGen allele CA349076183.